The following is an entry in ClinVar:

NM_001563.4(IMPG1):c.301+5G>T

Gene: IMPG1 (interphotoreceptor matrix proteoglycan 1; minus strand). Cytogenetic location: 6q14.1.
Variant type: single nucleotide variant.
Coding change: c.301+5G>T on transcript NM_001563.4 (MANE Select); 5 bases into the intron after coding-DNA position 301, G replaced by T.
Molecular consequence: intron variant.
Genome position (GRCh38, 1-based): chr6:76,041,888, C>A on the plus strand (G>T on the coding strand, the complement: IMPG1 is on the minus strand). VCF-style: chr6-76041888-C-A. GRCh37 (hg19) VCF-style: chr6-76751605-C-A.
Other names: c.68-7101G>T (NM_001282368.2).
Identifiers: ClinVar variation 3660882 (VCV003660882.2).

ClinVar aggregate classification (germline): Uncertain significance (1 of 4 stars; one submission).

Submission:

Labcorp Genetics (formerly Invitae), Labcorp
Classification: Uncertain significance. Last evaluated: 2024-07-30. Review status: criteria provided, single submitter. Criteria: Invitae Variant Classification Sherloc (09022015). Collection method: clinical testing. Allele origin: germline.
Comment: This sequence change falls in intron 2 of the IMPG1 gene. It does not directly change the encoded amino acid sequence of the IMPG1 protein. It affects a nucleotide within the consensus splice site. This variant is not present in population databases (gnomAD no frequency). This variant has not been reported in the literature in individuals affected with IMPG1-related conditions. Variants that disrupt the consensus splice site are a relatively common cause of aberrant splicing (PMID: 17576681, 9536098). Algorithms developed to predict the effect of sequence changes on RNA splicing suggest that this variant is not likely to affect RNA splicing. In summary, the available evidence is currently insufficient to determine the role of this variant in disease. Therefore, it has been classified as a Variant of Uncertain Significance.

Literature cited by the submitters: PubMed 17576681; PubMed 9536098.